The following is an entry in ClinVar:

NM_001308093.3(GATA4):c.973A>G (p.Asn325Asp)

Gene: GATA4 (GATA binding protein 4). Cytogenetic location: 8p23.1.
Variant type: single nucleotide variant.
Coding change: c.973A>G on transcript NM_001308093.3 (MANE Select); coding-DNA position 973, A replaced by G.
Protein change: p.Asn325Asp; replaces asparagine 325 with aspartic acid.
Molecular consequence: missense variant.
Genome position (GRCh38, 1-based): chr8:11,755,106, A>G. VCF-style: chr8-11755106-A-G. GRCh37 (hg19) VCF-style: chr8-11612615-A-G.
Other names: c.352A>G, p.Asn118Asp (NM_001308094.2, NM_001374273.1); c.226A>G, p.Asn76Asp (NM_001374274.1); c.970A>G, p.Asn324Asp (NM_002052.5); c.970A>G (NM_002052.3); short protein forms N118D, N76D, N325D, N324D.
Identifiers: ClinVar variation 1508567 (VCV001508567.7), dbSNP rs2130338330, ClinGen allele CA370314511.

ClinVar aggregate classification (germline): Uncertain significance. Review status: criteria provided, multiple submitters, no conflicts (2 of 4 stars). 2 submissions from 2 submitters: Uncertain significance (2). Last evaluated 2024-05-02.

Conditions:
Cardiovascular phenotype. Identifiers: MedGen CN230736.
Atrioventricular septal defect 4 (AVSD4). Identifiers: MedGen C3280781, MONDO:0013747, OMIM 614430.

Submissions (2):

Ambry Genetics
Classification: Uncertain significance for Cardiovascular phenotype. Last evaluated: 2024-05-02. Review status: criteria provided, single submitter. Criteria: Ambry Variant Classification Scheme 2023. Collection method: clinical testing. Allele origin: germline.
Comment: The p.N324D variant (also known as c.970A>G), located in coding exon 4 of the GATA4 gene, results from an A to G substitution at nucleotide position 970. The asparagine at codon 324 is replaced by aspartic acid, an amino acid with highly similar properties. This amino acid position is conserved. In addition, the in silico prediction for this alteration is inconclusive. Based on the available evidence, the clinical significance of this variant remains unclear.

Labcorp Genetics (formerly Invitae), Labcorp
Classification: Uncertain significance for Atrioventricular septal defect 4. Last evaluated: 2021-07-28. Review status: criteria provided, single submitter. Criteria: Invitae Variant Classification Sherloc (09022015). Collection method: clinical testing. Allele origin: germline.
Comment: This sequence change replaces asparagine with aspartic acid at codon 324 of the GATA4 protein (p.Asn324Asp). The asparagine residue is highly conserved and there is a small physicochemical difference between asparagine and aspartic acid. In summary, the available evidence is currently insufficient to determine the role of this variant in disease. Therefore, it has been classified as a Variant of Uncertain Significance. Algorithms developed to predict the effect of missense changes on protein structure and function (SIFT, PolyPhen-2, Align-GVGD) all suggest that this variant is likely to be tolerated. This variant has not been reported in the literature in individuals affected with GATA4-related conditions. This variant is not present in population databases (ExAC no frequency).